The following is an entry in ClinVar:

NM_001370259.2(MEN1):c.153C>T (p.Asn51=)

Gene: MEN1 (menin 1; minus strand). Cytogenetic location: 11q13.1.
Variant type: single nucleotide variant.
Coding change: c.153C>T on transcript NM_001370259.2 (MANE Select); coding-DNA position 153, C replaced by T.
Protein change: p.Asn51=; no amino-acid change (asparagine 51 retained).
Molecular consequence: synonymous variant.
Genome position (GRCh38, 1-based): chr11:64,809,957, G>A on the plus strand (C>T on the coding strand, the complement: MEN1 is on the minus strand). VCF-style: chr11-64809957-G-A. GRCh37 (hg19) VCF-style: chr11-64577429-G-A.
Other names: c.153C>T, p.Asn51= (NM_000244.4, NM_001370251.2, NM_001370260.2 and 9 more transcripts).
Identifiers: ClinVar variation 457306 (VCV000457306.15), dbSNP rs1555166669, ClinGen allele CA475163932.

ClinVar aggregate classification (germline): Benign/Likely benign. Review status: criteria provided, multiple submitters, no conflicts (2 of 4 stars). 3 submissions from 3 submitters: Benign (1); Likely benign (2). Last evaluated 2024-10-31.

Conditions:
Multiple endocrine neoplasia, type 1 (MEN1). Also called: MEN I; WERMER SYNDROME; Endocrine adenomatosis multiple; MEN 1; MEA I. Identifiers: Orphanet 652, MedGen C0025267, MeSH D018761, MONDO:0007540, OMIM 131100.
Hereditary cancer-predisposing syndrome. Also called: Hereditary Cancer Syndrome; Hereditary neoplastic syndrome; Tumor predisposition; Neoplastic Syndromes, Hereditary. Identifiers: Orphanet 140162, MedGen C0027672, MeSH D009386, MONDO:0015356.

gnomAD v4.1: 2 of 1,586,428 alleles (0.00013%); highest among the groups gnomAD compares: Middle Eastern, 0.017%; no homozygotes.

Submissions (3):

Myriad Genetics, Inc.
Classification: Benign for Multiple endocrine neoplasia, type 1. Last evaluated: 2024-10-31. Review status: criteria provided, single submitter. Criteria: Myriad Autosomal Dominant, Autosomal Recessive and X-Linked Classification Criteria (2023). Collection method: clinical testing. Allele origin: unknown.
Comment: This variant is considered benign. This variant is a silent/synonymous amino acid change and it is not expected to impact splicing.

Labcorp Genetics (formerly Invitae), Labcorp
Classification: Likely benign for Multiple endocrine neoplasia, type 1. Last evaluated: 2024-08-31. Review status: criteria provided, single submitter. Criteria: Invitae Variant Classification Sherloc (09022015). Collection method: clinical testing. Allele origin: germline.

Ambry Genetics
Classification: Likely benign for Hereditary cancer-predisposing syndrome. Last evaluated: 2019-12-13. Review status: criteria provided, single submitter. Criteria: Ambry Variant Classification Scheme 2023. Collection method: clinical testing. Allele origin: germline.